The following is an entry in ClinVar:

ClinVar aggregate classification (germline): Uncertain significance (1 of 4 stars; one submission).

Submission:

Ambry Genetics
Classification: Uncertain significance. Last evaluated: 2023-04-07. Review status: criteria provided, single submitter. Criteria: Ambry Variant Classification Scheme 2023. Collection method: clinical testing. Allele origin: germline.
Comment: The p.K1892Q variant (also known as c.5674A>C), located in coding exon 42 of the PRKDC gene, results from an A to C substitution at nucleotide position 5674. The lysine at codon 1892 is replaced by glutamine, an amino acid with similar properties. This amino acid position is conserved. In addition, the in silico prediction for this alteration is inconclusive. Since supporting evidence is limited at this time, the clinical significance of this alteration remains unclear.

NM_006904.7(PRKDC):c.5674A>C (p.Lys1892Gln)

Gene: PRKDC (protein kinase, DNA-activated, catalytic subunit; minus strand). Cytogenetic location: 8q11.21.
Variant type: single nucleotide variant.
Coding change: c.5674A>C on transcript NM_006904.7 (MANE Select); coding-DNA position 5674, A replaced by C.
Protein change: p.Lys1892Gln; replaces lysine 1892 with glutamine.
Molecular consequence: missense variant.
Genome position (GRCh38, 1-based): chr8:47,863,475, T>G on the plus strand (A>C on the coding strand, the complement: PRKDC is on the minus strand). VCF-style: chr8-47863475-T-G. GRCh37 (hg19) VCF-style: chr8-48776036-T-G.
Other names: c.5674A>C, p.Lys1892Gln (NM_001081640.2); short protein forms K1892Q.
Identifiers: ClinVar variation 2561924 (VCV002561924.2), dbSNP rs2551870843, ClinGen allele CA371163026.
Genomic context (GRCh38, chr8:47,863,475, plus strand): 5'-TAAGTTCATTTCCTTCTGTAATACACGAGCCATGGAAAACTTGATTAATTTTTGATTCCT[T>G]AGCATGAACATCATCTTTGGGAAGGCGAGAATACATCACGTCTAGAATCTTATAGTAGCC-3'
Protein context (NP_008835.5, residues 1882-1902): SRLPKDDVHA[Lys1892Gln]ESKINQVFHG